The following is an entry in ClinVar:

NM_017570.5(OPLAH):c.1690_1706+6dup

Gene: OPLAH (5-oxoprolinase, ATP-hydrolysing; minus strand). Cytogenetic location: 8q24.3.
Variant type: Duplication.
Coding change: c.1690_1706+6dup on transcript NM_017570.5 (MANE Select); coding-DNA position 1690 through 6 bases into the intron after coding-DNA position 1706, 23 bases duplicated (GCCCAGGGCTTCCCCAGGTGGGC).
Molecular consequence: splice donor variant.
Genome position (GRCh38, 1-based): chr8:144,056,942-144,056,964, GCCCACCTGGGGAAGCCCTGGGC duplicated on the plus strand (GCCCAGGGCTTCCCCAGGTGGGC on the coding strand, the reverse complement: OPLAH is on the minus strand). VCF-style (leftmost placement, unchanged base first): chr8-144056941-A-AGCCCACCTGGGGAAGCCCTGGGC. GRCh37 (hg19) VCF-style: chr8-145111844-A-AGCCCACCTGGGGAAGCCCTGGGC.
Identifiers: ClinVar variation 2085189 (VCV002085189.1), dbSNP rs782657860, ClinGen allele CA4931759.

ClinVar aggregate classification (germline): Uncertain significance (1 of 4 stars; one submission).

Conditions:
5-Oxoprolinase deficiency (OPLAHD). Also called: 5-OXOPROLINURIA DUE TO 5-OXOPROLINASE DEFICIENCY. Identifiers: Orphanet 33572, MedGen C0268525, MONDO:0009825, OMIM 260005, HP:0040142.

Allele frequency attached by ClinVar (database versions not stated): gnomAD 0.00007; ExAC 0.00012; gnomAD exomes 0.00029.

Submission:

Labcorp Genetics (formerly Invitae), Labcorp
Classification: Uncertain significance for 5-Oxoprolinase deficiency. Last evaluated: 2022-03-10. Review status: criteria provided, single submitter. Criteria: Invitae Variant Classification Sherloc (09022015). Collection method: clinical testing. Allele origin: germline.
Comment: This sequence change falls in intron 12 of the OPLAH gene. It does not directly change the encoded amino acid sequence of the OPLAH protein. This variant is present in population databases (rs782657860, gnomAD 0.01%). This variant has not been reported in the literature in individuals affected with OPLAH-related conditions. Algorithms developed to predict the effect of sequence changes on RNA splicing suggest that this variant may disrupt the consensus splice site. In summary, the available evidence is currently insufficient to determine the role of this variant in disease. Therefore, it has been classified as a Variant of Uncertain Significance.